The following is an entry in ClinVar:

ClinVar aggregate classification (germline): Uncertain significance (1 of 4 stars; one submission).

gnomAD v4.1: 6 of 1,611,036 alleles (0.00037%); highest among the groups gnomAD compares: Middle Eastern, 0.017%; no homozygotes.

Submission:

Labcorp Genetics (formerly Invitae), Labcorp
Classification: Uncertain significance. Last evaluated: 2025-06-10. Review status: criteria provided, single submitter. Criteria: Invitae Variant Classification Sherloc (09022015). Collection method: clinical testing. Allele origin: germline.
Comment: This sequence change replaces arginine, which is basic and polar, with leucine, which is neutral and non-polar, at codon 1323 of the ERBIN protein (p.Arg1323Leu). This variant is present in population databases (rs191439793, gnomAD 0.007%). This variant has not been reported in the literature in individuals affected with ERBIN-related conditions. ClinVar contains an entry for this variant (Variation ID: 3677436). An algorithm developed to predict the effect of missense changes on protein structure and function (PolyPhen-2) suggests that this variant is likely to be disruptive. Algorithms developed to predict the effect of sequence changes on RNA splicing suggest that this variant may disrupt the consensus splice site. In summary, the available evidence is currently insufficient to determine the role of this variant in disease. Therefore, it has been classified as a Variant of Uncertain Significance.

NM_001253697.2(ERBIN):c.3968G>T (p.Arg1323Leu)

Gene: ERBIN (erbb2 interacting protein; plus strand). Cytogenetic location: 5q12.3.
Variant type: single nucleotide variant.
Coding change: c.3968G>T on transcript NM_001253697.2 (MANE Select); coding-DNA position 3968, G replaced by T.
Protein change: p.Arg1323Leu; replaces arginine 1323 with leucine.
Molecular consequence: missense variant.
Genome position (GRCh38, 1-based): chr5:66,076,320, G>T. VCF-style: chr5-66076320-G-T. GRCh37 (hg19) VCF-style: chr5-65372148-G-T.
Other names: c.3638G>T, p.Arg1213Leu (NM_001006600.3); c.3845G>T, p.Arg1282Leu (NM_001253698.2, NM_018695.4); c.3989G>T, p.Arg1330Leu (NM_001253699.2); c.3833G>T, p.Arg1278Leu (NM_001253701.2); short protein forms R1278L, R1282L, R1323L, R1213L, R1330L.
Identifiers: ClinVar variation 3677436 (VCV003677436.2).
Genomic context (GRCh38, chr5:66,076,320, plus strand): 5'-TTGCATTATAACTTTTTCTGAAATAGTAAGTTTCCTTTATTTTCATATTAACTCAGATTC[G>T]AGTGAGGGTTGAAAAGGATCCAGAACTTGGATTTAGCATATCAGGTGGTGTCGGGGGTAG-3'
Protein context (NP_001240626.1, residues 1313-1333): QGHELAKQEI[Arg1323Leu]VRVEKDPELG